The following is an entry in ClinVar:

NM_000062.3(SERPING1):c.1352A>G (p.Glu451Gly)

Gene: SERPING1 (serpin family G member 1; plus strand). Cytogenetic location: 11q12.1.
Variant type: single nucleotide variant.
Coding change: c.1352A>G on transcript NM_000062.3 (MANE Select); coding-DNA position 1352, A replaced by G.
Protein change: p.Glu451Gly; replaces glutamic acid 451 with glycine.
Molecular consequence: missense variant.
Genome position (GRCh38, 1-based): chr11:57,614,430, A>G. VCF-style: chr11-57614430-A-G. GRCh37 (hg19) VCF-style: chr11-57381903-A-G.
Other names: c.1352A>G, p.Glu451Gly (NM_001032295.2); short protein forms E451G.
Identifiers: ClinVar variation 3256528 (VCV003256528.2).
Genomic context (GRCh38, chr11:57,614,430, plus strand): 5'-CAGAGGACCCAGATCTTCAGGTTTCTGCGATGCAGCACCAGACAGTGCTGGAACTGACAG[A>G]GACTGGGGTGGAGGCGGCTGCAGCCTCCGCCATCTCTGTGGCCCGCACCCTGCTGGTCTT-3'
Protein context (NP_000053.2, residues 441-461): MQHQTVLELT[Glu451Gly]TGVEAAAASA

ClinVar aggregate classification (germline): Likely pathogenic (1 of 4 stars; one submission).

Conditions:
Hereditary angioedema type 1 (HAE1). Identifiers: Orphanet 100050, Orphanet 100051, Orphanet 91378, MedGen C2717906, MONDO:0015053, OMIM 106100.

Submission:

DNA-diagnostics Laboratory, Research Centre For Medical Genetics
Classification: Likely pathogenic for Hereditary angioedema type 1. Last evaluated: 2024-07-27. Review status: criteria provided, single submitter. Criteria: ACMG Guidelines, 2015. Collection method: research. Allele origin: germline. Inheritance: Autosomal dominant inheritance. Affected: yes. Observed: 1 heterozygote.
Comment: According to our observation the c.1352A>G variant in SERPING1 meets ACMG/ClinGen SVI guidance criteria to be classified as likely pathogenic: PP3_Mod, PP4_Mod, PM2_Sup, PP2